The following is an entry in ClinVar:

ClinVar aggregate classification (germline): Conflicting classifications of pathogenicity. Review status: criteria provided, conflicting classifications (1 of 4 stars). 2 submissions from 2 submitters: Pathogenic (1); Uncertain significance (1). Last evaluated 2023-02-08.

Conditions:
Neurofibromatosis, type 1 (NF1). Also called: VON RECKLINGHAUSEN DISEASE; NEUROFIBROMATOSIS, TYPE I, SOMATIC; Peripheral type neurofibromatosis; Neurofibromatosis, type I. Identifiers: Orphanet 636, MedGen C0027831, MONDO:0018975, OMIM 162200. Disease mechanism: loss of function.

Submissions (2):

Labcorp Genetics (formerly Invitae), Labcorp
Classification: Pathogenic for Neurofibromatosis, type 1. Last evaluated: 2023-02-08. Review status: criteria provided, single submitter. Criteria: Invitae Variant Classification Sherloc (09022015). Collection method: clinical testing. Allele origin: germline.
Comment: This sequence change replaces isoleucine, which is neutral and non-polar, with asparagine, which is neutral and polar, at codon 183 of the NF1 protein (p.Ile183Asn). This variant is not present in population databases (gnomAD no frequency). This missense change has been observed in individual(s) with clinical features of neurofibromatosis type 1 (Invitae). In at least one individual the variant was observed to be de novo. ClinVar contains an entry for this variant (Variation ID: 1702850). Advanced modeling of protein sequence and biophysical properties (such as structural, functional, and spatial information, amino acid conservation, physicochemical variation, residue mobility, and thermodynamic stability) performed at Invitae indicates that this missense variant is expected to disrupt NF1 protein function. For these reasons, this variant has been classified as Pathogenic.

Medical Genetics, University of Parma
Classification: Uncertain significance for Neurofibromatosis, type 1. Last evaluated: 2022-08-17. Review status: criteria provided, single submitter. Criteria: ACMG Guidelines, 2015. Collection method: clinical testing. Allele origin: germline. Inheritance: Autosomal dominant inheritance. Affected: yes.

NM_001042492.3(NF1):c.548T>A (p.Ile183Asn)

Gene: NF1 (neurofibromin 1; plus strand). Cytogenetic location: 17q11.2.
Variant type: single nucleotide variant.
Coding change: c.548T>A on transcript NM_001042492.3 (MANE Select); coding-DNA position 548, T replaced by A.
Protein change: p.Ile183Asn; replaces isoleucine 183 with asparagine.
Molecular consequence: missense variant.
Genome position (GRCh38, 1-based): chr17:31,169,959, T>A. VCF-style: chr17-31169959-T-A. GRCh37 (hg19) VCF-style: chr17-29496977-T-A.
Other names: c.548T>A, p.Ile183Asn (NM_000267.4, NM_001128147.3); short protein forms I183N.
Identifiers: ClinVar variation 1702850 (VCV001702850.4), dbSNP rs2143707759, ClinGen allele CA398985218.
Genomic context (GRCh38, chr17:31,169,959, plus strand): 5'-AATTAACTGTTTGTTCAGAAGACAATGTTGATGTTCATGATATAGAATTGTTACAGTATA[T>A]CAATGTGGATTGTGCAAAATTAAAACGACTCCTGAAGGGTAAGTTTAAATGTATAATATA-3'
Protein context (NP_001035957.1, residues 173-193): DVHDIELLQY[Ile183Asn]NVDCAKLKRL